The following is an entry in ClinVar:

ClinVar aggregate classification (germline): Uncertain significance. Review status: criteria provided, multiple submitters, no conflicts (2 of 4 stars). 2 submissions from 2 submitters: Uncertain significance (2). Last evaluated 2024-11-29.

Conditions:
Leukocyte adhesion deficiency type II. Also called: CONGENITAL DISORDER OF GLYCOSYLATION, TYPE IIc; Congenital disorder of glycosylation type 2C; CDG 2C; Leukocyte adhesion deficiency type 2; Rambam Hasharon syndrome; CDG IIc. Identifiers: Orphanet 2968, Orphanet 99843, MedGen C0398739, MONDO:0009953, OMIM 266265.
Inborn genetic diseases. Identifiers: MedGen C0950123, MeSH D030342.

Allele frequency attached by ClinVar (database versions not stated): TOPMed 0.00003; gnomAD 0.00004 and 0.00003; ESP Exome Variant Server 0.00008.
gnomAD v4.1: 107 of 1,523,984 alleles (0.007%); highest among the groups gnomAD compares: Non-Finnish European, 0.0089%; no homozygotes.

Submissions (2):

Labcorp Genetics (formerly Invitae), Labcorp
Classification: Uncertain significance for Leukocyte adhesion deficiency type II. Last evaluated: 2024-11-29. Review status: criteria provided, single submitter. Criteria: Invitae Variant Classification Sherloc (09022015). Collection method: clinical testing. Allele origin: germline.
Comment: This sequence change replaces alanine, which is neutral and non-polar, with threonine, which is neutral and polar, at codon 361 of the SLC35C1 protein (p.Ala361Thr). The frequency data for this variant in the population databases is considered unreliable, as metrics indicate poor data quality at this position in the gnomAD database. This variant has not been reported in the literature in individuals affected with SLC35C1-related conditions. ClinVar contains an entry for this variant (Variation ID: 657343). An algorithm developed to predict the effect of missense changes on protein structure and function outputs the following: PolyPhen-2: "Benign". The threonine amino acid residue is found in multiple mammalian species, which suggests that this missense change does not adversely affect protein function. In summary, the available evidence is currently insufficient to determine the role of this variant in disease. Therefore, it has been classified as a Variant of Uncertain Significance.

Ambry Genetics
Classification: Uncertain significance for Inborn genetic diseases. Last evaluated: 2024-05-09. Review status: criteria provided, single submitter. Criteria: Ambry Variant Classification Scheme 2023. Collection method: clinical testing. Allele origin: germline.

NM_018389.5(SLC35C1):c.1081G>A (p.Ala361Thr)

Gene: SLC35C1 (solute carrier family 35 member C1; plus strand). Cytogenetic location: 11p11.2.
Variant type: single nucleotide variant.
Coding change: c.1081G>A on transcript NM_018389.5 (MANE Select); coding-DNA position 1081, G replaced by A.
Protein change: p.Ala361Thr; replaces alanine 361 with threonine.
Molecular consequence: missense variant.
Genome position (GRCh38, 1-based): chr11:45,811,321, G>A. VCF-style: chr11-45811321-G-A. GRCh37 (hg19) VCF-style: chr11-45832872-G-A.
Other names: c.1042G>A, p.Ala348Thr (NM_001145266.2, NM_001145265.2); short protein forms A361T, A348T.
Identifiers: ClinVar variation 657343 (VCV000657343.7), dbSNP rs371853940, ClinGen allele CA5958397.